The following is an entry in ClinVar:

ClinVar aggregate classification (germline): Benign/Likely benign. Review status: criteria provided, multiple submitters, no conflicts (2 of 4 stars). 4 submissions from 4 submitters: Benign (1); Likely benign (3). Last evaluated 2026-01-29.

Conditions:
Inborn genetic diseases. Identifiers: MedGen C0950123, MeSH D030342.
Epilepsy, X-linked 1, with variable learning disabilities and behavior disorders. Also called: X-linked epilepsy-learning disabilities-behavior disorders syndrome. Identifiers: Orphanet 85294, MedGen C5774177, MONDO:0010339, OMIM 300491.

Allele frequency attached by ClinVar (database versions not stated): gnomAD exomes 0.00007 and 0.00023; gnomAD 0.00018 and 0.00019; TOPMed 0.00018; 1000 Genomes Project 30x 0.00042; 1000 Genomes Project 0.00053; ExAC 0.00069.
gnomAD v4.1: 132 of 1,144,087 alleles (0.012%); highest among the groups gnomAD compares: East Asian, 0.24%; no homozygotes.

Submissions (4):

Labcorp Genetics (formerly Invitae), Labcorp
Classification: Likely benign for Epilepsy, X-linked 1, with variable learning disabilities and behavior disorders. Last evaluated: 2026-01-29. Review status: criteria provided, single submitter. Criteria: Invitae Variant Classification Sherloc (09022015). Collection method: clinical testing. Allele origin: germline.

Blueprint Genetics
Classification: Likely benign. Last evaluated: 2024-11-25. Review status: criteria provided, single submitter. Criteria: ACMG Guidelines, 2015. Collection method: clinical testing. Allele origin: germline.

Ambry Genetics
Classification: Likely benign for Inborn genetic diseases. Last evaluated: 2017-04-13. Review status: criteria provided, single submitter. Criteria: Ambry Variant Classification Scheme 2023. Collection method: clinical testing. Allele origin: germline.

GeneDx
Classification: Benign. Last evaluated: 2014-01-31. Review status: criteria provided, single submitter. Criteria: GeneDx Variant Classification (06012015). Collection method: clinical testing. Allele origin: germline. Affected: yes.
Comment: This variant is considered likely benign or benign based on one or more of the following criteria: it is a conservative change, it occurs at a poorly conserved position in the protein, it is predicted to be benign by multiple in silico algorithms, and/or has population frequency not consistent with disease.

NM_006950.3(SYN1):c.1968G>A (p.Pro656=)

Gene: SYN1 (synapsin I; minus strand). Cytogenetic location: Xp11.3.
Variant type: single nucleotide variant.
Coding change: c.1968G>A on transcript NM_006950.3 (MANE Select); coding-DNA position 1968, G replaced by A.
Protein change: p.Pro656=; no amino-acid change (proline 656 retained).
Molecular consequence: synonymous variant.
Genome position (GRCh38, 1-based): chrX:47,574,016, C>T on the plus strand (G>A on the coding strand, the complement: SYN1 is on the minus strand). VCF-style: chrX-47574016-C-T. GRCh37 (hg19) VCF-style: chrX-47433415-C-T.
Other names: p.P656P:CCG>CCA; c.1968G>A, p.Pro656= (NM_133499.2).
Identifiers: ClinVar variation 207464 (VCV000207464.17), dbSNP rs199844514, ClinGen allele CA318931.
Genomic context (GRCh38, chrX:47,574,016, plus strand): 5'-CGCTTTGTGAGCAGCAAGGCGAAGGCTGCTGTAGGGGTCCCCTTACTTGAGCTGGGGGTG[C>T]GGAGGTCCCCCTGCAGCGGCGGTGGCGGGTGGCGGCACGTCCTGGCTGGGTTTCTGGGCC-3'
Protein context (NP_008881.2, residues 646-666): PPATAAAGGP[Pro656=]HPQLNKSQSL